The following is an entry in ClinVar:

NM_001164508.2(NEB):c.22148del (p.Lys7383fs)

Genes: NEB (nebulin; minus strand), RIF1 (replication timing regulatory factor 1; plus strand). Cytogenetic location: 2q23.3.
Variant type: Deletion.
Coding change: c.22148del on transcript NM_001164508.2 (MANE Select); coding-DNA position 22148, one base deleted (A; older notation c.22148delA).
Protein change: p.Lys7383fs; shifts the reading frame from lysine 7383.
Molecular consequence: frameshift variant.
Genome position (GRCh38, 1-based): chr2:151,525,971, T deleted on the plus strand (A on the coding strand, the reverse complement: NEB is on the minus strand); the first of 2 consecutive T bases (chr2:151,525,971-151,525,972); deleting either gives the same sequence. VCF-style (leftmost placement, unchanged base first): chr2-151525970-CT-C. GRCh37 (hg19) VCF-style: chr2-152382484-CT-C.
Other names: c.22148del, p.Lys7383fs (NM_001164507.2); c.22253del, p.Lys7418fs (NM_001271208.2); c.17045del, p.Lys5682fs (NM_004543.5); short protein forms K5682fs, K7383fs, K7418fs.
Identifiers: ClinVar variation 5012370 (VCV005012370.1).

ClinVar aggregate classification (germline): Pathogenic (1 of 4 stars; one submission).

Conditions:
Nemaline myopathy 2 (NEM2). Also called: Nemaline myopathy 2, autosomal recessive. Identifiers: MedGen C1850569, MONDO:0009725, OMIM 256030.

Submission:

Myriad Genetics, Inc.
Classification: Pathogenic for Nemaline myopathy 2. Last evaluated: 2023-10-09. Review status: criteria provided, single submitter. Criteria: Myriad Autosomal Dominant, Autosomal Recessive and X-Linked Classification Criteria (2023). Collection method: clinical testing. Allele origin: unknown.
Comment: NM_001271208.1(NEB):c.22253delA(K7418Sfs*30) is expected to be pathogenic in the context of NEB-related nemaline myopathy. This variant is predicted to lead to an abnormal or absent protein product due to the creation of a premature termination codon in NEB, a gene where loss-of-function variants are known to be pathogenic. Please note: this variant was assessed in the context of healthy population screening.